The following is an entry in ClinVar:

NM_005228.5(EGFR):c.3300G>T (p.Arg1100Ser)

Gene: EGFR (epidermal growth factor receptor; plus strand). Cytogenetic location: 7p11.2.
Variant type: single nucleotide variant.
Coding change: c.3300G>T on transcript NM_005228.5 (MANE Select); coding-DNA position 3300, G replaced by T.
Protein change: p.Arg1100Ser; replaces arginine 1100 with serine.
Molecular consequence: missense variant.
Genome position (GRCh38, 1-based): chr7:55,205,284, G>T. VCF-style: chr7-55205284-G-T. GRCh37 (hg19) VCF-style: chr7-55272977-G-T.
Other names: c.3165G>T, p.Arg1055Ser (NM_001346899.2); c.3141G>T, p.Arg1047Ser (NM_001346900.2); c.2499G>T, p.Arg833Ser (NM_001346941.2); short protein forms R1047S, R1055S, R1100S, R833S.
Identifiers: ClinVar variation 4638211 (VCV004638211.2).

ClinVar aggregate classification (germline): Uncertain significance. Review status: criteria provided, multiple submitters, no conflicts (2 of 4 stars). 2 submissions from 2 submitters: Uncertain significance (2). Last evaluated 2025-10-27.

Conditions:
EGFR-related lung cancer (EGFR). Identifiers: MedGen CN130014.
Hereditary cancer-predisposing syndrome. Also called: Neoplastic Syndromes, Hereditary; Tumor predisposition; Hereditary Cancer Syndrome; Hereditary neoplastic syndrome. Identifiers: Orphanet 140162, MedGen C0027672, MeSH D009386, MONDO:0015356.

gnomAD v4.1: 2 of 1,612,924 alleles (0.00012%); highest among the groups gnomAD compares: Non-Finnish European, 0.00017%; no homozygotes.

Submissions (2):

Labcorp Genetics (formerly Invitae), Labcorp
Classification: Uncertain significance for EGFR-related lung cancer. Last evaluated: 2025-10-27. Review status: criteria provided, single submitter. Criteria: Invitae Variant Classification Sherloc (09022015). Collection method: clinical testing. Allele origin: germline.
Comment: This sequence change replaces arginine, which is basic and polar, with serine, which is neutral and polar, at codon 1100 of the EGFR protein (p.Arg1100Ser). This variant is not present in population databases (gnomAD no frequency). This variant has not been reported in the literature in individuals affected with EGFR-related conditions. An algorithm developed to predict the effect of missense changes on protein structure and function (PolyPhen-2) suggests that this variant is likely to be tolerated. In summary, the available evidence is currently insufficient to determine the role of this variant in disease. Therefore, it has been classified as a Variant of Uncertain Significance.

Ambry Genetics
Classification: Uncertain significance for Hereditary cancer-predisposing syndrome. Last evaluated: 2025-09-24. Review status: criteria provided, single submitter. Criteria: Ambry Variant Classification Scheme 2023. Collection method: clinical testing. Allele origin: germline.
Comment: The p.R1100S variant (also known as c.3300G>T), located in coding exon 28 of the EGFR gene, results from a G to T substitution at nucleotide position 3300. The arginine at codon 1100 is replaced by serine, an amino acid with dissimilar properties. This amino acid position is well conserved in available vertebrate species. In addition, the in silico prediction for this alteration is inconclusive. Based on the available evidence, the clinical significance of this variant remains unclear.